The following is an entry in ClinVar:

ClinVar aggregate classification (germline): Likely benign (1 of 4 stars; one submission).

Conditions:
Intellectual developmental disorder, X-linked, syndromic 32. Also called: X-linked intellectual disability-cardiomegaly-congestive heart failure syndrome. Identifiers: Orphanet 324410, MedGen C3550913, MONDO:0010473, OMIM 300886.

Allele frequency attached by ClinVar (database versions not stated): 1000 Genomes Project 0.00026; ExAC 0.00006; gnomAD exomes 0.00007 and 0.00008; gnomAD 0.00009 and 0.00010; 1000 Genomes Project 30x 0.00021; TOPMed 0.00012.
gnomAD v4.1: 85 of 1,208,034 alleles (0.007%); highest among the groups gnomAD compares: Middle Eastern, 0.023%; no homozygotes.

Submission:

3billion
Classification: Likely benign for Intellectual developmental disorder, X-linked, syndromic 32. Last evaluated: 2021-10-25. Review status: criteria provided, single submitter. Criteria: ACMG Guidelines, 2015. Collection method: clinical testing. Allele origin: unknown. Affected: yes. Observed: 1 hemizygote.
Comment: It is observed in the gnomAD v2.1.1 dataset at total allele frequency of 0.00007 with 3 hemizygotes. It is considered too common in the population to be disease-causing and also has been reported in unaffected individuals in 3billion dataset. Therfore this variant is classfiied likely benign according to the recommendation of ACMG/AMP guideline.

NM_001289.6(CLIC2):c.434G>A (p.Arg145His)

Gene: CLIC2 (CLIC family member 2; minus strand). Cytogenetic location: Xq28.
Variant type: single nucleotide variant.
Coding change: c.434G>A on transcript NM_001289.6 (MANE Select); coding-DNA position 434, G replaced by A.
Protein change: p.Arg145His; replaces arginine 145 with histidine.
Molecular consequence: missense variant.
Genome position (GRCh38, 1-based): chrX:155,279,297, C>T on the plus strand (G>A on the coding strand, the complement: CLIC2 is on the minus strand). VCF-style: chrX-155279297-C-T. GRCh37 (hg19) VCF-style: chrX-154508586-C-T.
Other names: short protein forms R145H.
Identifiers: ClinVar variation 1321269 (VCV001321269.1), dbSNP rs782037891, ClinGen allele CA10569307.